The following is an entry in ClinVar:

NM_147127.5(EVC2):c.227A>G (p.Gln76Arg)

Gene: EVC2 (EvC ciliary complex subunit 2; minus strand). Cytogenetic location: 4p16.2.
Variant type: single nucleotide variant.
Coding change: c.227A>G on transcript NM_147127.5 (MANE Select); coding-DNA position 227, A replaced by G.
Protein change: p.Gln76Arg; replaces glutamine 76 with arginine.
Molecular consequence: missense variant. On other transcripts: intron variant (1).
Genome position (GRCh38, 1-based): chr4:5,708,287, T>C on the plus strand (A>G on the coding strand, the complement: EVC2 is on the minus strand). VCF-style: chr4-5708287-T-C. GRCh37 (hg19) VCF-style: chr4-5710014-T-C.
Other names: c.-13+542A>G (NM_001166136.2); short protein forms Q76R.
Identifiers: ClinVar variation 1448599 (VCV001448599.6), dbSNP rs976833828, ClinGen allele CA356153941.

ClinVar aggregate classification (germline): Uncertain significance (1 of 4 stars; one submission).

Conditions:
Ellis-van Creveld syndrome (EVC). Also called: EVC-Related Ellis-van Creveld Syndrome; EVC2-Related Ellis-van Creveld Syndrome; MESOECTODERMAL DYSPLASIA; Chondroectodermal dysplasia. Identifiers: Orphanet 289, MedGen C0013903, MONDO:0009162, OMIM 225500.
Curry-Hall syndrome (WAD). Also called: WEYERS ACRODENTAL DYSOSTOSIS. Identifiers: Orphanet 952, MedGen C0457013, MONDO:0008673, OMIM 193530.

Allele frequency attached by ClinVar (database versions not stated): gnomAD exomes below 0.00001.
gnomAD v4.1: 2 of 1,478,214 alleles (0.00014%); highest among the groups gnomAD compares: Admixed American, 0.0023%; no homozygotes.

Submission:

Labcorp Genetics (formerly Invitae), Labcorp
Classification: Uncertain significance for Curry-Hall syndrome; Ellis-van Creveld syndrome. Last evaluated: 2021-08-27. Review status: criteria provided, single submitter. Criteria: Invitae Variant Classification Sherloc (09022015). Collection method: clinical testing. Allele origin: germline.
Comment: This sequence change replaces glutamine with arginine at codon 76 of the EVC2 protein (p.Gln76Arg). The glutamine residue is weakly conserved and there is a small physicochemical difference between glutamine and arginine. The frequency data for this variant in the population databases is considered unreliable, as metrics indicate insufficient coverage at this position in the ExAC database. This variant has not been reported in the literature in individuals affected with EVC2-related conditions. Algorithms developed to predict the effect of missense changes on protein structure and function (SIFT, PolyPhen-2, Align-GVGD) all suggest that this variant is likely to be tolerated. In summary, the available evidence is currently insufficient to determine the role of this variant in disease. Therefore, it has been classified as a Variant of Uncertain Significance.